The following is an entry in ClinVar:

NM_194248.3(OTOF):c.3863C>T (p.Ala1288Val)

Gene: OTOF (otoferlin; minus strand). Cytogenetic location: 2p23.3.
Variant type: single nucleotide variant.
Coding change: c.3863C>T on transcript NM_194248.3 (MANE Select); coding-DNA position 3863, C replaced by T.
Protein change: p.Ala1288Val; replaces alanine 1288 with valine.
Molecular consequence: missense variant.
Genome position (GRCh38, 1-based): chr2:26,472,520, G>A on the plus strand (C>T on the coding strand, the complement: OTOF is on the minus strand). VCF-style: chr2-26472520-G-A. GRCh37 (hg19) VCF-style: chr2-26695388-G-A.
Other names: DFNB9; c.3863C>T, p.Ala1288Val (NM_001287489.2); c.1562C>T, p.Ala521Val (NM_004802.4, NM_194323.3); c.1793C>T, p.Ala598Val (NM_194322.3); short protein forms A1288V, A521V, A598V.
Identifiers: ClinVar variation 3393400 (VCV003393400.2).

ClinVar aggregate classification (germline): Uncertain significance. Review status: criteria provided, multiple submitters, no conflicts (2 of 4 stars). 2 submissions from 2 submitters: Uncertain significance (2). Last evaluated 2024-12-26.

Conditions:
Autosomal recessive nonsyndromic hearing loss 9. Also called: Deafness, autosomal recessive 9; OTOF-Related Hearing Loss; NEUROSENSORY NONSYNDROMIC RECESSIVE DEAFNESS 9; AUDITORY NEUROPATHY, AUTOSOMAL RECESSIVE, 1, TEMPERATURE-SENSITIVE. Identifiers: Orphanet 90636, MedGen C1832828, MONDO:0010986, OMIM 601071.

gnomAD v4.1: 28 of 1,613,450 alleles (0.0017%); highest among the groups gnomAD compares: African/African-American, 0.015%; no homozygotes.

Submissions (2):

Laboratory of Prof. Karen Avraham, Tel Aviv University
Classification: Uncertain significance for Autosomal recessive nonsyndromic hearing loss 9. Last evaluated: 2024-12-26. Review status: criteria provided, single submitter. Criteria: ACMG Guidelines, 2015. Collection method: research. Allele origin: germline. Affected: yes. Observed: 1 variant allele.
Comment: The OTOF c.3863C>T:p.(Ala1288Val) heterozygous variant is possibly deleterious and not found in gnomAD.

Blueprint Genetics
Classification: Uncertain significance. Last evaluated: 2021-04-06. Review status: criteria provided, single submitter. Criteria: ACMG Guidelines, 2015. Collection method: clinical testing. Allele origin: germline.